The following is an entry in ClinVar:

NM_021625.5(TRPV4):c.1949C>A (p.Thr650Asn)

Gene: TRPV4 (transient receptor potential cation channel subfamily V member 4; minus strand). Cytogenetic location: 12q24.11.
Variant type: single nucleotide variant.
Coding change: c.1949C>A on transcript NM_021625.5 (MANE Select); coding-DNA position 1949, C replaced by A.
Protein change: p.Thr650Asn; replaces threonine 650 with asparagine.
Molecular consequence: missense variant.
Genome position (GRCh38, 1-based): chr12:109,788,659, G>T on the plus strand (C>A on the coding strand, the complement: TRPV4 is on the minus strand). VCF-style: chr12-109788659-G-T. GRCh37 (hg19) VCF-style: chr12-110226464-G-T.
Other names: c.1769C>A, p.Thr590Asn (NM_147204.3); c.1808C>A, p.Thr603Asn (NM_001177428.2); c.1847C>A, p.Thr616Asn (NM_001177431.2); c.1628C>A, p.Thr543Asn (NM_001177433.2); short protein forms T543N, T650N, T603N, T616N, T590N.
Identifiers: ClinVar variation 1431226 (VCV001431226.6), dbSNP rs1249629161, ClinGen allele CA386651047.
Genomic context (GRCh38, chr12:109,788,659, plus strand): 5'-AGGAAGGTGCTGAAGGTCTCGCTGTCACGGCACGAGGGGTAAGTGGGCACTGTGCAGTTG[G>T]TCTGGTCCTCATTGCACACCTTCATGTTGGCACACGGGTTCAGGAGGGAGACCAGGGCTG-3'
Protein context (NP_067638.3, residues 640-660): ANMKVCNEDQ[Thr650Asn]NCTVPTYPSC

ClinVar aggregate classification (germline): Uncertain significance (1 of 4 stars; one submission).

Conditions:
Charcot-Marie-Tooth disease axonal type 2C (HMSN2C). Also called: Charcot-Marie-Tooth Disease Type 2, TRPV4-Related (CMT2C); CHARCOT-MARIE-TOOTH DISEASE, AXONAL, AUTOSOMAL DOMINANT, TYPE 2C; Charcot-Marie-Tooth Neuropathy Type 2C. Identifiers: Orphanet 99937, MedGen C1853710, MONDO:0011633, OMIM 606071.

Allele frequency attached by ClinVar (database versions not stated): TOPMed below 0.00001.
gnomAD v4.1: 5 of 1,614,226 alleles (0.00031%); highest among the groups gnomAD compares: Non-Finnish European, 0.00034%; no homozygotes.

Submission:

Labcorp Genetics (formerly Invitae), Labcorp
Classification: Uncertain significance for Charcot-Marie-Tooth disease axonal type 2C. Last evaluated: 2021-09-25. Review status: criteria provided, single submitter. Criteria: Invitae Variant Classification Sherloc (09022015). Collection method: clinical testing. Allele origin: germline.
Comment: Advanced modeling of protein sequence and biophysical properties (such as structural, functional, and spatial information, amino acid conservation, physicochemical variation, residue mobility, and thermodynamic stability) performed at Invitae indicates that this missense variant is not expected to disrupt TRPV4 protein function. In summary, the available evidence is currently insufficient to determine the role of this variant in disease. Therefore, it has been classified as a Variant of Uncertain Significance. This variant has not been reported in the literature in individuals affected with TRPV4-related conditions. This variant is not present in population databases (ExAC no frequency). This sequence change replaces threonine with asparagine at codon 650 of the TRPV4 protein (p.Thr650Asn). The threonine residue is weakly conserved and there is a small physicochemical difference between threonine and asparagine.